The following is an entry in ClinVar:

ClinVar aggregate classification (germline): Uncertain significance. Review status: criteria provided, multiple submitters, no conflicts (2 of 4 stars). 2 submissions from 2 submitters: Uncertain significance (2). Last evaluated 2026-09-11.

Conditions:
RHO-related disorder. Also called: RHO-related condition.

Submissions (2):

PreventionGenetics, part of Exact Sciences
Classification: Uncertain significance for RHO-related condition. Last evaluated: 2026-09-11. Review status: criteria provided, single submitter. Criteria: ACMG Guidelines, 2015. Collection method: clinical testing. Allele origin: germline.
Comment: The RHO c.995A>T variant is predicted to result in the amino acid substitution p.Glu332Val. To our knowledge, this variant has not been reported in the literature. This variant is present in 0.0018% of alleles in individuals of European (Non-Finnish) descent in gnomAD. At this time, the clinical significance of this variant is uncertain due to the absence of conclusive functional and genetic evidence.

Labcorp Genetics (formerly Invitae), Labcorp
Classification: Uncertain significance. Last evaluated: 2025-04-10. Review status: criteria provided, single submitter. Criteria: Invitae Variant Classification Sherloc (09022015). Collection method: clinical testing. Allele origin: germline.
Comment: This sequence change replaces glutamic acid, which is acidic and polar, with valine, which is neutral and non-polar, at codon 332 of the RHO protein (p.Glu332Val). This variant is present in population databases (rs773295145, gnomAD 0.002%). This variant has not been reported in the literature in individuals affected with RHO-related conditions. Invitae Evidence Modeling of protein sequence and biophysical properties (such as structural, functional, and spatial information, amino acid conservation, physicochemical variation, residue mobility, and thermodynamic stability) has been performed for this missense variant. However, the output from this modeling did not meet the statistical confidence thresholds required to predict the impact of this variant on RHO protein function. In summary, the available evidence is currently insufficient to determine the role of this variant in disease. Therefore, it has been classified as a Variant of Uncertain Significance.

NM_000539.3(RHO):c.995A>T (p.Glu332Val)

Gene: RHO (rhodopsin; plus strand). Cytogenetic location: 3q22.1.
Variant type: single nucleotide variant.
Coding change: c.995A>T on transcript NM_000539.3 (MANE Select); coding-DNA position 995, A replaced by T.
Protein change: p.Glu332Val; replaces glutamic acid 332 with valine.
Molecular consequence: missense variant.
Genome position (GRCh38, 1-based): chr3:129,533,666, A>T. VCF-style: chr3-129533666-A-T. GRCh37 (hg19) VCF-style: chr3-129252509-A-T.
Other names: short protein forms E332V.
Identifiers: ClinVar variation 4702473 (VCV004702473.2).